The following is an entry in ClinVar:

ClinVar aggregate classification (germline): Uncertain significance (1 of 4 stars; one submission).

Conditions:
Charcot-Marie-Tooth disease type 4. Also called: Charcot-Marie-Tooth disease, type IV; Charcot-Marie-Tooth, Type 4. Identifiers: Orphanet 64749, MedGen C4082197, MONDO:0018995.

Allele frequency attached by ClinVar (database versions not stated): ExAC 0.00001; TOPMed 0.00001.
gnomAD v4.1: 6 of 1,614,202 alleles (0.00037%); highest among the groups gnomAD compares: Non-Finnish European, 0.00051%; no homozygotes.

Submission:

Labcorp Genetics (formerly Invitae), Labcorp
Classification: Uncertain significance for Charcot-Marie-Tooth disease type 4. Last evaluated: 2022-03-19. Review status: criteria provided, single submitter. Criteria: Invitae Variant Classification Sherloc (09022015). Collection method: clinical testing. Allele origin: germline.
Comment: In summary, the available evidence is currently insufficient to determine the role of this variant in disease. Therefore, it has been classified as a Variant of Uncertain Significance. Algorithms developed to predict the effect of missense changes on protein structure and function output the following: SIFT: "Tolerated"; PolyPhen-2: "Benign"; Align-GVGD: "Class C0". The asparagine amino acid residue is found in multiple mammalian species, which suggests that this missense change does not adversely affect protein function. This variant has not been reported in the literature in individuals affected with FGD4-related conditions. This variant is present in population databases (rs760087704, gnomAD 0.0009%). This sequence change replaces aspartic acid, which is acidic and polar, with asparagine, which is neutral and polar, at codon 78 of the FGD4 protein (p.Asp78Asn).

NM_001370298.3(FGD4):c.643G>A (p.Asp215Asn)

Gene: FGD4 (FYVE, RhoGEF and PH domain containing 4; plus strand). Cytogenetic location: 12p11.21.
Variant type: single nucleotide variant.
Coding change: c.643G>A on transcript NM_001370298.3 (MANE Select); coding-DNA position 643, G replaced by A.
Protein change: p.Asp215Asn; replaces aspartic acid 215 with asparagine.
Molecular consequence: missense variant. On other transcripts: 5 prime UTR variant (5), non-coding transcript variant (1), intron variant (1).
Genome position (GRCh38, 1-based): chr12:32,582,099, G>A. VCF-style: chr12-32582099-G-A. GRCh37 (hg19) VCF-style: chr12-32735033-G-A.
Other names: c.487G>A, p.Asp163Asn (NM_001304481.2); c.-613G>A (NM_001304483.2); c.-920G>A (NM_001304484.2); c.-48G>A (NM_001330373.2, NM_001330374.2, NM_001384130.1); c.643G>A, p.Asp215Asn (NM_001384126.1); c.232G>A, p.Asp78Asn (NM_001384127.1, NM_001384128.1, NM_001384131.1 and 3 more transcripts); c.49-16398G>A (NM_001370297.1); short protein forms D163N, D215N, D78N.
Identifiers: ClinVar variation 2199268 (VCV002199268.4), dbSNP rs760087704, ClinGen allele CA6506603.